The following is an entry in ClinVar:

NM_001244926.2(PRPF4):c.149T>G (p.Leu50Trp)

Gene: PRPF4 (pre-mRNA splicing tri-snRNP complex factor PRPF4; plus strand). Cytogenetic location: 9q32.
Variant type: single nucleotide variant.
Coding change: c.149T>G on transcript NM_001244926.2 (MANE Select); coding-DNA position 149, T replaced by G.
Protein change: p.Leu50Trp; replaces leucine 50 with tryptophan.
Molecular consequence: missense variant. On other transcripts: 5 prime UTR variant (2), non-coding transcript variant (2).
Genome position (GRCh38, 1-based): chr9:113,276,669, T>G. VCF-style: chr9-113276669-T-G. GRCh37 (hg19) VCF-style: chr9-116038949-T-G.
Other names: c.-617T>G (NM_001322266.2, NM_001322267.2); c.152T>G, p.Leu51Trp (NM_004697.5); short protein forms L50W, L51W.
Identifiers: ClinVar variation 3691986 (VCV003691986.2).
Genomic context (GRCh38, chr9:113,276,669, plus strand): 5'-ATTATGGAAGTTTGGAAGAGAAGGAGAGGGAGCGTCTGGCCAAAGGAGAGTCTGGGATTT[T>G]GGGGAAAGACGGACTTAAAGCAGGGATCGAAGCTGGAAATATTAATATAACCTCTGGTAA-3'
Protein context (NP_001231855.1, residues 40-60): ERLAKGESGI[Leu50Trp]GKDGLKAGIE

ClinVar aggregate classification (germline): Uncertain significance (1 of 4 stars; one submission).

gnomAD v4.1: 2 of 1,614,100 alleles (0.00012%); highest among the groups gnomAD compares: Non-Finnish European, 0.00017%; no homozygotes.

Submission:

Labcorp Genetics (formerly Invitae), Labcorp
Classification: Uncertain significance. Last evaluated: 2024-09-29. Review status: criteria provided, single submitter. Criteria: Invitae Variant Classification Sherloc (09022015). Collection method: clinical testing. Allele origin: germline.
Comment: This sequence change replaces leucine, which is neutral and non-polar, with tryptophan, which is neutral and slightly polar, at codon 51 of the PRPF4 protein (p.Leu51Trp). This variant is not present in population databases (gnomAD no frequency). This variant has not been reported in the literature in individuals affected with PRPF4-related conditions. An algorithm developed to predict the effect of missense changes on protein structure and function (PolyPhen-2) suggests that this variant is likely to be tolerated. In summary, the available evidence is currently insufficient to determine the role of this variant in disease. Therefore, it has been classified as a Variant of Uncertain Significance.